The following is an entry in ClinVar:

ClinVar aggregate classification (germline): Uncertain significance (1 of 4 stars; one submission).

Conditions:
Malignant hyperthermia, susceptibility to, 5 (MHS5). Also called: CACNA1S-Related Malignant Hyperthermia Susceptibility. Identifiers: Orphanet 423, MedGen C1866077, MONDO:0011163, OMIM 601887.

gnomAD v4.1: 4 of 1,613,808 alleles (0.00025%); highest among the groups gnomAD compares: East Asian, 0.0022%; no homozygotes.

Submission:

Color Diagnostics, LLC DBA Color Health
Classification: Uncertain significance for Malignant hyperthermia, susceptibility to, 5. Last evaluated: 2025-06-29. Review status: criteria provided, single submitter. Criteria: ACMG Guidelines, 2015. Collection method: clinical testing. Allele origin: germline.
Comment: This missense variant replaces valine with phenylalanine at codon 1621 of the CACNA1S protein. Computational prediction suggests that this variant may not impact protein structure and function. To our knowledge, functional studies have not been reported for this variant. This variant has not been reported in individuals affected with CACNA1S-related disorders in the literature. This variant has not been identified in the general population by the Genome Aggregation Database (gnomAD). The available evidence is insufficient to determine the role of this variant in disease conclusively. Therefore, this variant is classified as a Variant of Uncertain Significance.

NM_000069.3(CACNA1S):c.4861G>T (p.Val1621Phe)

Gene: CACNA1S (calcium voltage-gated channel subunit alpha1 S; minus strand). Cytogenetic location: 1q32.1.
Variant type: single nucleotide variant.
Coding change: c.4861G>T on transcript NM_000069.3 (MANE Select); coding-DNA position 4861, G replaced by T.
Protein change: p.Val1621Phe; replaces valine 1621 with phenylalanine.
Molecular consequence: missense variant.
Genome position (GRCh38, 1-based): chr1:201,043,468, C>A on the plus strand (G>T on the coding strand, the complement: CACNA1S is on the minus strand). VCF-style: chr1-201043468-C-A. GRCh37 (hg19) VCF-style: chr1-201012596-C-A.
Other names: short protein forms V1621F.
Identifiers: ClinVar variation 4758585 (VCV004758585.1).